The following is an entry in ClinVar:

ClinVar aggregate classification (germline): Conflicting classifications of pathogenicity. Review status: criteria provided, conflicting classifications (1 of 4 stars). 2 submissions from 2 submitters: Uncertain significance (1); Likely benign (1). Last evaluated 2025-08-20.

Allele frequency attached by ClinVar (database versions not stated): gnomAD exomes 0.00005 and 0.00029; ESP Exome Variant Server 0.00008; gnomAD 0.00008 and 0.00012; TOPMed 0.00012; ExAC 0.00021; 1000 Genomes Project 30x 0.00094; 1000 Genomes Project 0.00120.
gnomAD v4.1: 93 of 1,613,964 alleles (0.0058%); highest among the groups gnomAD compares: East Asian, 0.2%; no homozygotes.

Submissions (2):

Labcorp Genetics (formerly Invitae), Labcorp
Classification: Likely benign. Last evaluated: 2025-08-20. Review status: criteria provided, single submitter. Criteria: Invitae Variant Classification Sherloc (09022015). Collection method: clinical testing. Allele origin: germline.

Women's Health and Genetics/Laboratory Corporation of America, LabCorp
Classification: Uncertain significance. Last evaluated: 2023-07-25. Review status: criteria provided, single submitter. Criteria: LabCorp Variant Classification Summary - May 2015. Collection method: clinical testing. Allele origin: germline.
Comment: Variant summary: TBCD c.2178+5A>G alters a non-conserved nucleotide located close to a canonical splice site and therefore could affect mRNA splicing, leading to a significantly altered protein sequence. 4/4 computational tools predict the variant strenghthens the canonical 5' splicing donor site as well as a nearby cryptic 5' donor site. However, these predictions have yet to be confirmed by functional studies. The variant allele was found at a frequency of 0.00029 in 249342 control chromosomes, predominantly at a frequency of 0.004 within the East Asian subpopulation in the gnomAD database. c.2178+5A>G has been reported in the literature in an individual affected with Microcephaly and fetal growth retardation who was compound heterozygous with a variant of uncertain significance in trans (Fu_2022). This report does not provide unequivocal conclusions about association of the variant with Encephalopathy, Early Onset. To our knowledge, no experimental evidence demonstrating an impact on protein function has been reported. The following publication has been ascertained in the context of this evaluation (PMID: 36307859). One submitter has cited a clinical-significance assessment for this variant to ClinVar after 2014 and has classified the variant as likely benign. Based on the evidence outlined above, the variant was classified as uncertain significance.

Literature cited by the submitters: PubMed 36307859 (cited by Women's Health and Genetics/Laboratory Corporation of America, LabCorp).

NM_005993.5(TBCD):c.2178+5A>G

Gene: TBCD (tubulin folding cofactor D). Cytogenetic location: 17q25.3.
Variant type: single nucleotide variant.
Coding change: c.2178+5A>G on transcript NM_005993.5 (MANE Select); 5 bases into the intron after coding-DNA position 2178, A replaced by G.
Molecular consequence: intron variant.
Genome position (GRCh38, 1-based): chr17:82,921,582, A>G. VCF-style: chr17-82921582-A-G. GRCh37 (hg19) VCF-style: chr17-80879458-A-G.
Other names: c.2178+5A>G (NM_005993.4).
Identifiers: ClinVar variation 1576760 (VCV001576760.8), dbSNP rs371823710, ClinGen allele CA8862961.